The following is an entry in ClinVar:

ClinVar aggregate classification (germline): Pathogenic (3 of 4 stars; one submission).

Conditions:
Breast-ovarian cancer, familial, susceptibility to, 2 (BROVCA2). Also called: BRCA2 Hereditary Breast and Ovarian Cancer. Identifiers: Orphanet 145, MedGen C2675520, MONDO:0012933, OMIM 612555. Disease mechanism: loss of function.

Submission:

Evidence-based Network for the Interpretation of Germline Mutant Alleles (ENIGMA)
Classification: Pathogenic for Breast-ovarian cancer, familial, susceptibility to, 2. Last evaluated: 2016-10-18. Review status: reviewed by expert panel. Criteria: ENIGMA BRCA1/2 Classification Criteria (2015). Collection method: curation. Allele origin: germline.
Comment: Variant allele predicted to encode a truncated non-functional protein.

NM_000059.4(BRCA2):c.104_110del (p.Leu35fs)

Gene: BRCA2 (BRCA2 DNA repair associated; plus strand). Cytogenetic location: 13q13.1.
Variant type: Deletion.
Coding change: c.104_110del on transcript NM_000059.4 (MANE Select); coding-DNA positions 104 to 110, 7 bases deleted (TTTCTTC; older notation c.104_110delTTTCTTC).
Protein change: p.Leu35fs; shifts the reading frame from leucine 35.
Molecular consequence: frameshift variant.
Genome position (GRCh38, 1-based): chr13:32,319,113-32,319,119, TTTCTTC deleted; deleting any 7 consecutive bases within chr13:32,319,112-32,319,119 gives the same sequence; the c. name uses the placement nearest the transcript's 3' end. VCF-style (leftmost placement, unchanged base first): chr13-32319111-ACTTTCTT-A. GRCh37 (hg19) VCF-style: chr13-32893248-ACTTTCTT-A.
Other names: 332delTTTCTTC; short protein forms L35fs.
Identifiers: ClinVar variation 266603 (VCV000266603.3), dbSNP rs886040341, ClinGen allele CA10589007.